The following is an entry in ClinVar:

NM_005918.4(MDH2):c.941A>T (p.Lys314Met)

Gene: MDH2 (malate dehydrogenase 2; plus strand). Cytogenetic location: 7q11.23.
Variant type: single nucleotide variant.
Coding change: c.941A>T on transcript NM_005918.4 (MANE Select); coding-DNA position 941, A replaced by T.
Protein change: p.Lys314Met; replaces lysine 314 with methionine.
Molecular consequence: missense variant.
Genome position (GRCh38, 1-based): chr7:76,066,334, A>T. VCF-style: chr7-76066334-A-T. GRCh37 (hg19) VCF-style: chr7-75695652-A-T.
Other names: c.815A>T, p.Lys272Met (NM_001282403.2); c.620A>T, p.Lys207Met (NM_001282404.2); short protein forms K272M, K207M, K314M.
Identifiers: ClinVar variation 2062836 (VCV002062836.1), dbSNP rs782054212, ClinGen allele CA4305776.

ClinVar aggregate classification (germline): Uncertain significance (1 of 4 stars; one submission).

Allele frequency attached by ClinVar (database versions not stated): ExAC 0.00002; gnomAD 0.00003; gnomAD exomes 0.00004.
gnomAD v4.1: 68 of 1,611,376 alleles (0.0042%); highest among the groups gnomAD compares: East Asian, 0.0067%; no homozygotes.

Submission:

Labcorp Genetics (formerly Invitae), Labcorp
Classification: Uncertain significance. Last evaluated: 2022-06-09. Review status: criteria provided, single submitter. Criteria: Invitae Variant Classification Sherloc (09022015). Collection method: clinical testing. Allele origin: germline.
Comment: This sequence change replaces lysine, which is basic and polar, with methionine, which is neutral and non-polar, at codon 314 of the MDH2 protein (p.Lys314Met). The frequency data for this variant in the population databases is considered unreliable, as metrics indicate poor data quality at this position in the gnomAD database. This variant has not been reported in the literature in individuals affected with MDH2-related conditions. Algorithms developed to predict the effect of missense changes on protein structure and function are either unavailable or do not agree on the potential impact of this missense change (SIFT: "Deleterious"; PolyPhen-2: "Possibly Damaging"; Align-GVGD: "Class C15"). In summary, the available evidence is currently insufficient to determine the role of this variant in disease. Therefore, it has been classified as a Variant of Uncertain Significance.